The following is an entry in ClinVar:

ClinVar aggregate classification (germline): Benign. Review status: criteria provided, multiple submitters, no conflicts (2 of 4 stars). 2 submissions from 2 submitters: Benign (2). Last evaluated 2018-01-13.

Conditions:
Heterotaxy, visceral, 4, autosomal (HTX4). Identifiers: Orphanet 450, MedGen C3151057, MONDO:0013403, OMIM 613751.

Allele frequency attached by ClinVar (database versions not stated): 1000 Genomes Project 30x 0.34713; 1000 Genomes Project 0.35343; TOPMed 0.40029; gnomAD 0.42268 and 0.42618; gnomAD exomes 0.53759.
gnomAD v4.1: 65,091 of 152,412 alleles (43%); highest among the groups gnomAD compares: Non-Finnish European, 57%; 16,257 homozygotes.

Submissions (2):

Illumina Laboratory Services, Illumina
Classification: Benign for Heterotaxy, visceral, 4, autosomal. Last evaluated: 2018-01-13. Review status: criteria provided, single submitter. Criteria: ICSL Variant Classification Criteria 13 December 2019. Collection method: clinical testing. Allele origin: germline.
Comment: This variant was observed in the ICSL laboratory as part of a predisposition screen in an ostensibly healthy population. It had not been previously curated by ICSL or reported in the Human Gene Mutation Database (HGMD: prior to June 1st, 2018), and was therefore a candidate for classification through an automated scoring system. Utilizing variant allele frequency, disease prevalence and penetrance estimates, and inheritance mode, an automated score was calculated to assess if this variant is too frequent to cause the disease. Based on the score and internal cut-off values, a variant classified as benign is not then subjected to further curation. The score for this variant resulted in a classification of benign for this disease.

Breakthrough Genomics
Classification: Benign. Review status: criteria provided, single submitter. Criteria: ACMG Guidelines, 2015. Collection method: not provided. Allele origin: germline. Inheritance: Unknown mechanism. Affected: yes.

NM_001106.4(ACVR2B):c.*744T>C

Gene: ACVR2B (activin A receptor type 2B; plus strand). Cytogenetic location: 3p22.2.
Variant type: single nucleotide variant.
Coding change: c.*744T>C on transcript NM_001106.4 (MANE Select); 744 bases downstream of the stop codon, T replaced by C.
Molecular consequence: 3 prime UTR variant.
Genome position (GRCh38, 1-based): chr3:38,484,076, T>C. VCF-style: chr3-38484076-T-C. GRCh37 (hg19) VCF-style: chr3-38525567-T-C.
Identifiers: ClinVar variation 344937 (VCV000344937.6), dbSNP rs7642472, ClinGen allele CA10616237.